The following is an entry in ClinVar:

NM_001943.5(DSG2):c.1477_1479del (p.Asn493del)

Gene: DSG2 (desmoglein 2; plus strand). Cytogenetic location: 18q12.1.
Variant type: Deletion.
Coding change: c.1477_1479del on transcript NM_001943.5 (MANE Select); coding-DNA positions 1477 to 1479, 3 bases deleted (AAC; older notation c.1477_1479delAAC).
Protein change: p.Asn493del; deletes asparagine 493.
Molecular consequence: inframe deletion.
Genome position (GRCh38, 1-based): chr18:31,536,255-31,536,257, AAC deleted; deleting any 3 consecutive bases within chr18:31,536,254-31,536,257 gives the same sequence; the c. name uses the placement nearest the transcript's 3' end. VCF-style (leftmost placement, unchanged base first): chr18-31536253-TCAA-T. GRCh37 (hg19) VCF-style: chr18-29116216-TCAA-T.
Other names: short protein forms N493del.
Identifiers: ClinVar variation 1023806 (VCV001023806.8), dbSNP rs2073229597, ClinGen allele CA2293861938.

ClinVar aggregate classification (germline): Uncertain significance (1 of 4 stars; one submission).

Conditions:
Arrhythmogenic right ventricular dysplasia 10. Also called: Arrhythmogenic Right Ventricular Dysplasia/Cardiomyopathy10; ARRHYTHMOGENIC RIGHT VENTRICULAR DYSPLASIA, FAMILIAL, 10; Arrhythmogenic right ventricular dysplasia/cardiomyopathy, type 10. Identifiers: MedGen C1857777, MONDO:0012434, OMIM 610193.

Submission:

Labcorp Genetics (formerly Invitae), Labcorp
Classification: Uncertain significance for Arrhythmogenic right ventricular dysplasia 10. Last evaluated: 2020-12-06. Review status: criteria provided, single submitter. Criteria: Invitae Variant Classification Sherloc (09022015). Collection method: clinical testing. Allele origin: germline.
Comment: In summary, the available evidence is currently insufficient to determine the role of this variant in disease. Therefore, it has been classified as a Variant of Uncertain Significance. Experimental studies and prediction algorithms are not available or were not evaluated, and the functional significance of this variant is currently unknown. This variant has not been reported in the literature in individuals with DSG2-related conditions. This variant is not present in population databases (ExAC no frequency). This variant, c.1477_1479del, results in the deletion of 1 amino acid(s) of the DSG2 protein (p.Asn493del), but otherwise preserves the integrity of the reading frame.